The following is an entry in ClinVar:

NM_000298.6(PKLR):c.829G>A (p.Glu277Lys)

Gene: PKLR (pyruvate kinase L/R; minus strand). Cytogenetic location: 1q22.
Variant type: single nucleotide variant.
Coding change: c.829G>A on transcript NM_000298.6 (MANE Select); coding-DNA position 829, G replaced by A.
Protein change: p.Glu277Lys; replaces glutamic acid 277 with lysine.
Molecular consequence: missense variant.
Genome position (GRCh38, 1-based): chr1:155,294,618, C>T on the plus strand (G>A on the coding strand, the complement: PKLR is on the minus strand). VCF-style: chr1-155294618-C-T. GRCh37 (hg19) VCF-style: chr1-155264409-C-T.
Other names: c.736G>A, p.Glu246Lys (NM_181871.4); short protein forms E246K, E277K.
Identifiers: ClinVar variation 767707 (VCV000767707.29), dbSNP rs147689373, ClinGen allele CA1144197.
Genomic context (GRCh38, chr1:155,294,618, plus strand): 5'-CGGCAGCCACGTCGCTGGCTTTCCGCACAAAGGAGGCAAAGACGATGTCCACCCCATGCT[C>T]CACCCCGAAGCGCAGGTCTCGGACGTCCTGCTCGGACAGCCCGGGCAAGTCCACCTGGGC-3'
Protein context (NP_000289.1, residues 267-287): QDVRDLRFGV[Glu277Lys]HGVDIVFASF

ClinVar aggregate classification (germline): Conflicting classifications of pathogenicity. Review status: criteria provided, conflicting classifications (1 of 4 stars). 7 submissions from 7 submitters: Uncertain significance (4); Likely benign (1). 2 of the submissions do not count toward it. Last evaluated 2025-10-27.

Conditions:
PKLR-related disorder. Also called: PKLR-related condition.
Pyruvate kinase deficiency of red cells (CNSHA2). Also called: PK DEFICIENCY; PYRUVATE KINASE DEFICIENCY OF ERYTHROCYTE; Pyruvate kinase deficiency, Amish type. Identifiers: Orphanet 766, MedGen C0340968, MONDO:0009950, OMIM 266200.

Allele frequency attached by ClinVar (database versions not stated): gnomAD exomes 0.00026 and 0.00069; ExAC 0.00075; ESP Exome Variant Server 0.00238; gnomAD 0.00256 and 0.00269; 1000 Genomes Project 0.00260; 1000 Genomes Project 30x 0.00312; TOPMed 0.00317.
gnomAD v4.1: 802 of 1,614,216 alleles (0.05%); highest among the groups gnomAD compares: African/African-American, 0.89%; 4 homozygotes.

Submissions (7):

Labcorp Genetics (formerly Invitae), Labcorp
Classification: Likely benign. Last evaluated: 2025-10-27. Review status: criteria provided, single submitter. Criteria: Invitae Variant Classification Sherloc (09022015). Collection method: clinical testing. Allele origin: germline.

ARUP Laboratories, Molecular Genetics and Genomics, ARUP Laboratories
Classification: Uncertain significance. Last evaluated: 2025-07-14. Review status: criteria provided, single submitter. Criteria: ARUP Molecular Germline Variant Investigation Process 2024. Collection method: clinical testing. Allele origin: germline.
Comment: The PKLR c.829G>A, p.Glu277Lys variant (rs147689373; ClinVar Variation ID: 767707) is reported in the literature largely in unaffected individuals and as well in few individuals affected with pyruvate kinase deficiency (Eisfeld 2017, Machado 2012). This variant is found in the African / African American population with an allele frequency of 0.9% (666/75,066 alleles, including 4 homozygotes) in the Genome Aggregation Database (v4.1.0). Computational analyses predict that this variant is deleterious (REVEL: 0.715). While the high population frequency suggests that this is likely a benign variant, given the lack of functional data, the significance of this variant is uncertain at this time. References: Eisfeld AK et al. Mutations in the CCND1 and CCND2 genes are frequent events in adult patients with t(8;21)(q22;q22) acute myeloid leukemia. Leukemia. 2017 Jun. PMID: 27843138 Machado P et al. Pyruvate kinase deficiency in sub-Saharan Africa: identification of a highly frequent missense mutation (G829A;Glu277Lys) and association with malaria. PLoS One. 2012 PMID: 23082140

Mayo Clinic Laboratories, Mayo Clinic
Classification: Uncertain significance. Last evaluated: 2025-04-14. Review status: criteria provided, single submitter. Criteria: ACMG Guidelines, 2015. Collection method: clinical testing. Allele origin: germline. Observed: 8 variant alleles.

Revvity Omics, Revvity
Classification: Uncertain significance. Last evaluated: 2024-09-05. Review status: criteria provided, single submitter. Criteria: ACMG Guidelines, 2015. Collection method: clinical testing. Allele origin: germline.

Illumina Laboratory Services, Illumina
Classification: Uncertain significance for Pyruvate kinase deficiency of red cells. Last evaluated: 2017-04-27. Review status: criteria provided, single submitter. Criteria: ICSL Variant Classification Criteria 13 December 2019. Collection method: clinical testing. Allele origin: germline.
Comment: This variant was observed as part of a predisposition screen in an ostensibly healthy population. A literature search was performed for the gene, cDNA change, and amino acid change (where applicable). Publications were found based on this search. However, the evidence from the literature, in combination with allele frequency data from public databases where available, was not sufficient to rule this variant in or out of causing disease. Therefore, this variant is classified as a variant of unknown significance.

PreventionGenetics, part of Exact Sciences
Classification: Benign for PKLR-related condition. Last evaluated: 2019-08-29. Review status: no assertion criteria provided. Collection method: clinical testing. Allele origin: germline. Not counted in ClinVar's aggregate classification.
Comment: This variant is classified as benign based on ACMG/AMP sequence variant interpretation guidelines (Richards et al. 2015 PMID: 25741868, with internal and published modifications).

Department of Pathology and Laboratory Medicine, Sinai Health System
Classification: Uncertain significance. Review status: no assertion criteria provided. Collection method: clinical testing. Allele origin: unknown. Affected: yes. Study: The Canadian Open Genetics Repository (COGR). Not counted in ClinVar's aggregate classification.
Comment: The PKLR p.Glu246Lys variant was not identified in the literature nor was it identified in ClinVar, Cosmic, or LOVD 3.0. The variant was identified in dbSNP (ID: rs147689373) and in control databases in 242 of 282216 chromosomes (2 homozygous) at a frequency of 0.000857 increasing the likelihood this could be a low frequency benign variant (Genome Aggregation Database Feb 27, 2017). The variant was observed in the following populations: African in 215 of 24902 chromosomes (freq: 0.008634), Latino in 21 of 35410 chromosomes (freq: 0.0005931), Other in 2 of 7200 chromosomes (freq: 0.0002778), South Asian in 3 of 30598 chromosomes (freq: 0.00009805) and European (non-Finnish) in 1 of 128714 chromosomes (freq: 0.000007769), while the variant was not observed in the Ashkenazi Jewish, European (Finnish) or East Asian populations. The p.Glu246 residue is not conserved in mammals and computational analyses (PolyPhen-2, SIFT, AlignGVGD, BLOSUM, MutationTaster) provide inconsistent predictions regarding the impact to the protein; this information is not very predictive of pathogenicity. The variant occurs outside of the splicing consensus sequence and 3 of 4 in silico or computational prediction software programs (SpliceSiteFinder, NNSPLICE, GeneSplicer) do not predict a difference in splicing. In summary, based on the above information the clinical significance of this variant cannot be determined with certainty at this time. This variant is classified as a variant of uncertain significance.

Literature cited by the submitters: PubMed 11960989 (cited by Mayo Clinic Laboratories, Mayo Clinic); PubMed 15982340 (cited by Mayo Clinic Laboratories, Mayo Clinic); PubMed 21833022 (cited by Mayo Clinic Laboratories, Mayo Clinic and Illumina Laboratory Services, Illumina); PubMed 23082140 (cited by Mayo Clinic Laboratories, Mayo Clinic and Illumina Laboratory Services, Illumina).